The following is an entry in ClinVar:

ClinVar aggregate classification (germline): Uncertain significance (1 of 4 stars; one submission).

Conditions:
Juvenile polyposis syndrome (JPS). Identifiers: Orphanet 2929, MedGen C0345893, MONDO:0017380, OMIM 174900.

Submission:

Labcorp Genetics (formerly Invitae), Labcorp
Classification: Uncertain significance for Juvenile polyposis syndrome. Last evaluated: 2025-07-22. Review status: criteria provided, single submitter. Criteria: Invitae Variant Classification Sherloc (09022015). Collection method: clinical testing. Allele origin: germline.
Comment: This sequence change replaces threonine, which is neutral and polar, with isoleucine, which is neutral and non-polar, at codon 254 of the SMAD4 protein (p.Thr254Ile). This variant is not present in population databases (gnomAD no frequency). This variant has not been reported in the literature in individuals affected with SMAD4-related conditions. Invitae Evidence Modeling of protein sequence and biophysical properties (such as structural, functional, and spatial information, amino acid conservation, physicochemical variation, residue mobility, and thermodynamic stability) indicates that this missense variant is not expected to disrupt SMAD4 protein function with a negative predictive value of 95%. In summary, the available evidence is currently insufficient to determine the role of this variant in disease. Therefore, it has been classified as a Variant of Uncertain Significance.

NM_005359.6(SMAD4):c.761C>T (p.Thr254Ile)

Gene: SMAD4 (SMAD family member 4; plus strand). Cytogenetic location: 18q21.2.
Variant type: single nucleotide variant.
Coding change: c.761C>T on transcript NM_005359.6 (MANE Select); coding-DNA position 761, C replaced by T.
Protein change: p.Thr254Ile; replaces threonine 254 with isoleucine.
Molecular consequence: missense variant. On other transcripts: non-coding transcript variant (2).
Genome position (GRCh38, 1-based): chr18:51,058,218, C>T. VCF-style: chr18-51058218-C-T. GRCh37 (hg19) VCF-style: chr18-48584588-C-T.
Other names: c.761C>T, p.Thr254Ile (NM_001407041.1, NM_001407042.1, NM_001407043.1); short protein forms T254I.
Identifiers: ClinVar variation 4809110 (VCV004809110.1).